The following is an entry in ClinVar:

NM_004456.5(EZH2):c.900C>G (p.Cys300Trp)

Gene: EZH2 (enhancer of zeste 2 polycomb repressive complex 2 subunit; minus strand). Cytogenetic location: 7q36.1.
Variant type: single nucleotide variant.
Coding change: c.900C>G on transcript NM_004456.5 (MANE Select); coding-DNA position 900, C replaced by G.
Protein change: p.Cys300Trp; replaces cysteine 300 with tryptophan.
Molecular consequence: missense variant. On other transcripts: intron variant (4).
Genome position (GRCh38, 1-based): chr7:148,826,461, G>C on the plus strand (C>G on the coding strand, the complement: EZH2 is on the minus strand). VCF-style: chr7-148826461-G-C. GRCh37 (hg19) VCF-style: chr7-148523553-G-C.
Other names: c.865+8C>G (NM_001203248.2, NM_001203249.2); c.775+8C>G (NM_152998.3); c.892+8C>G (NM_001203247.2); short protein forms C300W.
Identifiers: ClinVar variation 2784561 (VCV002784561.3), dbSNP rs2537029079, ClinGen allele CA369719036.

ClinVar aggregate classification (germline): Uncertain significance (1 of 4 stars; one submission).

Conditions:
Weaver syndrome (WVS). Also called: Weaver Smith syndrome; Overgrowth syndrome with accelerated skeletal maturation, unusual facies, and camptodactyly. Identifiers: Orphanet 3447, MedGen C0265210, MONDO:0010193, OMIM 277590.

Allele frequency attached by ClinVar (database versions not stated): gnomAD exomes 0.00002.
gnomAD v4.1: 31 of 1,574,356 alleles (0.002%); highest among the groups gnomAD compares: Non-Finnish European, 0.0027%; no homozygotes.

Submission:

Labcorp Genetics (formerly Invitae), Labcorp
Classification: Uncertain significance for Weaver syndrome. Last evaluated: 2023-05-13. Review status: criteria provided, single submitter. Criteria: Invitae Variant Classification Sherloc (09022015). Collection method: clinical testing. Allele origin: germline.
Comment: In summary, the available evidence is currently insufficient to determine the role of this variant in disease. Therefore, it has been classified as a Variant of Uncertain Significance. This sequence change replaces cysteine, which is neutral and slightly polar, with tryptophan, which is neutral and slightly polar, at codon 300 of the EZH2 protein (p.Cys300Trp). This variant is not present in population databases (gnomAD no frequency). This variant has not been reported in the literature in individuals affected with EZH2-related conditions. Advanced modeling of protein sequence and biophysical properties (such as structural, functional, and spatial information, amino acid conservation, physicochemical variation, residue mobility, and thermodynamic stability) performed at Invitae indicates that this missense variant is not expected to disrupt EZH2 protein function.